The following is an entry in ClinVar:

ClinVar aggregate classification (germline): Benign (1 of 4 stars; one submission).

Submission:

Biesecker Lab/Clinical Genomics Section, National Institutes of Health
Classification: Benign. Last evaluated: 2013-06-24. Review status: criteria provided, single submitter. Criteria: Ng et al. (Circ Cardiovasc Genet. 2013). Collection method: research. Allele origin: unknown. Observed: 20 variant alleles. Study: ClinSeq.
Comment: The study set was not selected for affection status in relation to any cancer. Pathogenicity categories were based on literature curation. See Pubmed ID:23861362 for details.

Medical sequencing

NM_001267550.2(TTN):c.100095G>A (p.Arg33365=)

Genes: TTN (titin; minus strand), TTN-AS1 (TTN antisense RNA 1; plus strand), LOC126806420 (BRD4-independent group 4 enhancer GRCh37_chr2:179401104-179402303; plus strand). Cytogenetic location: 2q31.2.
Variant type: single nucleotide variant.
Coding change: c.100095G>A on transcript NM_001267550.2 (MANE Select); coding-DNA position 100095, G replaced by A.
Protein change: p.Arg33365=; no amino-acid change (arginine 33365 retained).
Molecular consequence: synonymous variant.
Genome position (GRCh38, 1-based): chr2:178,537,014, C>T on the plus strand (G>A on the coding strand, the complement: TTN is on the minus strand). VCF-style: chr2-178537014-C-T. GRCh37 (hg19) VCF-style: chr2-179401741-C-T.
Other names: c.95172G>A, p.Arg31724= (NM_001256850.1); c.72900G>A, p.Arg24300= (NM_003319.4); c.92391G>A, p.Arg30797= (NM_133378.4); c.73275G>A, p.Arg24425= (NM_133432.3); c.73476G>A, p.Arg24492= (NM_133437.4).
Identifiers: ClinVar variation 192198 (VCV000192198.1), dbSNP rs786205341, ClinGen allele CA200058.
Genomic context (GRCh38, chr2:178,537,014, plus strand): 5'-GATCACAACTGAGGACACTTCTAGAGGGTCACTGATGCCGAAAGTGTTCTGAGCTGAAAC[C>T]CGGAAGTAATAGCCAGCATTTTCTGTGAGGTTCACAATTCTACAGGTTGTCACTGAGATG-3'
Protein context (NP_001254479.2, residues 33355-33375): NLTENAGYYF[Arg33365=]VSAQNTFGIS